The following is an entry in ClinVar:

ClinVar aggregate classification (germline): Likely benign (1 of 4 stars; one submission).

Submission:

GeneDx
Classification: Likely benign. Last evaluated: 2016-08-01. Review status: criteria provided, single submitter. Criteria: GeneDx Variant Classification (06012015). Collection method: clinical testing. Allele origin: germline. Affected: yes.
Comment: This variant is considered likely benign or benign based on one or more of the following criteria: it is a conservative change, it occurs at a poorly conserved position in the protein, it is predicted to be benign by multiple in silico algorithms, and/or has population frequency not consistent with disease.

NM_001849.4(COL6A2):c.1770+17dup

Gene: COL6A2 (collagen type VI alpha 2 chain; plus strand). Cytogenetic location: 21q22.3.
Variant type: Duplication.
Coding change: c.1770+17dup on transcript NM_001849.4 (MANE Select); 17 bases into the intron after coding-DNA position 1770, one base duplicated (G; older notation c.1770+17dupG).
Molecular consequence: intron variant.
Genome position (GRCh38, 1-based): chr21:46,124,937, G duplicated; the last of 4 consecutive G bases (chr21:46,124,934-46,124,937); duplicating any one gives the same sequence. VCF-style (leftmost placement, unchanged base first): chr21-46124933-T-TG. GRCh37 (hg19) VCF-style: chr21-47544847-T-TG.
Other names: c.1770+17dupG (NM_001849.3); c.1770+17dup (NM_058175.3, NM_058174.3).
Identifiers: ClinVar variation 421603 (VCV000421603.1), dbSNP rs751366581, ClinGen allele CA10072183.
Genomic context (GRCh38, chr21:46,124,933, plus strand): 5'-TTCCTTCCCCAGGGTGAGCCCGGCCCCCCTGGAGACCCCGGTCTCACGGTAGGTGTCACA[T>TG]GGGGCAGAACCAGTGTCCTTCTCCTGCCAAAACTAGACACCAAGAGCAGCAGGGGTGGGG-3'